The following is an entry in ClinVar:

NM_001364905.1(LRBA):c.3407C>T (p.Pro1136Leu)

Gene: LRBA (LPS responsive beige-like anchor protein; minus strand). Cytogenetic location: 4q31.3.
Variant type: single nucleotide variant.
Coding change: c.3407C>T on transcript NM_001364905.1 (MANE Select); coding-DNA position 3407, C replaced by T.
Protein change: p.Pro1136Leu; replaces proline 1136 with leucine.
Molecular consequence: missense variant.
Genome position (GRCh38, 1-based): chr4:150,852,303, G>A on the plus strand (C>T on the coding strand, the complement: LRBA is on the minus strand). VCF-style: chr4-150852303-G-A. GRCh37 (hg19) VCF-style: chr4-151773455-G-A.
Other names: c.3407C>T, p.Pro1136Leu (NM_001199282.3, NM_001367550.1, NM_006726.5); short protein forms P1136L.
Identifiers: ClinVar variation 287734 (VCV000287734.18), dbSNP rs113022115, ClinGen allele CA3103049.

ClinVar aggregate classification (germline): Uncertain significance. Review status: criteria provided, multiple submitters, no conflicts (2 of 4 stars). 6 submissions from 6 submitters: Uncertain significance (6). Last evaluated 2025-11-04.

Conditions:
Inborn genetic diseases. Identifiers: MedGen C0950123, MeSH D030342.
Combined immunodeficiency due to LRBA deficiency. Also called: Common variable immunodeficiency 8, with autoimmunity. Identifiers: Orphanet 445018, MedGen C3553512, MONDO:0013863, OMIM 614700.

Allele frequency attached by ClinVar (database versions not stated): gnomAD exomes 0.00004 and 0.00008; ExAC 0.00007; ESP Exome Variant Server 0.00023; 1000 Genomes Project 30x 0.00031; gnomAD 0.00033 and 0.00034; TOPMed 0.00036; 1000 Genomes Project 0.00040.
gnomAD v4.1: 136 of 1,613,978 alleles (0.0084%); highest among the groups gnomAD compares: African/African-American, 0.13%; no homozygotes.

Submissions (6):

Labcorp Genetics (formerly Invitae), Labcorp
Classification: Uncertain significance for Combined immunodeficiency due to LRBA deficiency. Last evaluated: 2025-11-04. Review status: criteria provided, single submitter. Criteria: Invitae Variant Classification Sherloc (09022015). Collection method: clinical testing. Allele origin: germline.
Comment: This sequence change replaces proline, which is neutral and non-polar, with leucine, which is neutral and non-polar, at codon 1136 of the LRBA protein (p.Pro1136Leu). This variant is present in population databases (rs113022115, gnomAD 0.1%). This missense change has been observed in individual(s) with clinical features of LRBA-related conditions (PMID: 34093558). ClinVar contains an entry for this variant (Variation ID: 287734). Invitae Evidence Modeling of protein sequence and biophysical properties (such as structural, functional, and spatial information, amino acid conservation, physicochemical variation, residue mobility, and thermodynamic stability) indicates that this missense variant is not expected to disrupt LRBA protein function with a negative predictive value of 80%. In summary, the available evidence is currently insufficient to determine the role of this variant in disease. Therefore, it has been classified as a Variant of Uncertain Significance.

GeneDx
Classification: Uncertain significance. Last evaluated: 2024-07-20. Review status: criteria provided, single submitter. Criteria: GeneDx Variant Classification Process June 2021. Collection method: clinical testing. Allele origin: germline. Affected: yes.
Comment: Observed in apparent homozygous state in a patient with recurrent infections, encephalitis, and intellectual disability in published literature (PMID: 34093558); Observed in at least one homozygous clinically unaffected adult relative of an individual referred for genetic testing at GeneDx; In silico analysis indicates that this missense variant does not alter protein structure/function; This variant is associated with the following publications: (PMID: 34093558)

Genetic Services Laboratory, University of Chicago
Classification: Uncertain significance. Last evaluated: 2021-12-14. Review status: criteria provided, single submitter. Criteria: ACMG Guidelines, 2015. Collection method: clinical testing. Allele origin: germline. Affected: no.
Comment: DNA sequence analysis of the LRBA gene demonstrated a sequence change, c.3407C>T, in exon 23 that results in an amino acid change, p.Pro1136Leu. sequence change has been described in the EXAC database with a low population frequency of 0.11% in the African/African-American subpopulation (dbSNP rs113022115). The p.Pro1136Leu change affects a poorly conserved amino acid residue located in a domain of the LRBA protein that is not known to be functional. The p.Pro1136Leu substitution appears to be benign using several in-silico pathogenicity prediction tools (SIFT, PolyPhen2, Align GVGD, REVEL). This sequence change does not appear to have been previously described in individuals with LRBA-related disorders. Due to insufficient evidences and the lack of functional studies, the clinical significance of the p.Pro1136Leu change remains unknown at this time.

Ambry Genetics
Classification: Uncertain significance for Inborn genetic diseases. Last evaluated: 2021-09-27. Review status: criteria provided, single submitter. Criteria: Ambry Variant Classification Scheme 2023. Collection method: clinical testing. Allele origin: germline.

Eurofins Ntd Llc (ga)
Classification: Uncertain significance. Last evaluated: 2016-05-19. Review status: criteria provided, single submitter. Criteria: EGL Classification Definitions 2015. Collection method: clinical testing. Allele origin: germline. Observed: 1 variant allele, 1 heterozygote.

Breakthrough Genomics
Classification: Uncertain significance. Review status: criteria provided, single submitter. Criteria: ACMG Guidelines, 2015. Collection method: not provided. Allele origin: germline. Inheritance: Autosomal recessive inheritance. Affected: yes.

Literature cited by the submitters: PubMed 34093558 (cited by Labcorp Genetics (formerly Invitae), Labcorp).